The following is an entry in ClinVar:

NM_000891.3(KCNJ2):c.1166A>G (p.Asp389Gly)

Gene: KCNJ2 (potassium inwardly rectifying channel subfamily J member 2; plus strand). Cytogenetic location: 17q24.3.
Variant type: single nucleotide variant.
Coding change: c.1166A>G on transcript NM_000891.3 (MANE Select); coding-DNA position 1166, A replaced by G.
Protein change: p.Asp389Gly; replaces aspartic acid 389 with glycine.
Molecular consequence: missense variant.
Genome position (GRCh38, 1-based): chr17:70,176,205, A>G. VCF-style: chr17-70176205-A-G. GRCh37 (hg19) VCF-style: chr17-68172346-A-G.
Other names: short protein forms D389G.
Identifiers: ClinVar variation 5022999 (VCV005022999.1).

ClinVar aggregate classification (germline): Uncertain significance (1 of 4 stars; one submission).

Conditions:
Cardiovascular phenotype. Identifiers: MedGen CN230736.

Submission:

Ambry Genetics
Classification: Uncertain significance for Cardiovascular phenotype. Last evaluated: 2026-07-09. Review status: criteria provided, single submitter. Criteria: Ambry Variant Classification Scheme 2023. Collection method: clinical testing. Allele origin: germline.
Comment: The p.D389G variant (also known as c.1166A>G), located in coding exon 1 of the KCNJ2 gene, results from an A to G substitution at nucleotide position 1166. The aspartic acid at codon 389 is replaced by glycine, an amino acid with similar properties. This amino acid position is conserved. In addition, the in silico prediction for this alteration is inconclusive. Based on the available evidence, the clinical significance of this variant remains unclear.